The following is an entry in ClinVar:

NM_001365088.1(SLC12A6):c.1720A>G (p.Ile574Val)

Gene: SLC12A6 (solute carrier family 12 member 6; minus strand). Cytogenetic location: 15q14.
Variant type: single nucleotide variant.
Coding change: c.1720A>G on transcript NM_001365088.1 (MANE Select); coding-DNA position 1720, A replaced by G.
Protein change: p.Ile574Val; replaces isoleucine 574 with valine.
Molecular consequence: missense variant.
Genome position (GRCh38, 1-based): chr15:34,245,797, T>C on the plus strand (A>G on the coding strand, the complement: SLC12A6 is on the minus strand). VCF-style: chr15-34245797-T-C. GRCh37 (hg19) VCF-style: chr15-34537998-T-C.
Other names: c.1543A>G, p.Ile515Val (NM_001042494.2, NM_001042495.2); c.1693A>G, p.Ile565Val (NM_001042496.2); c.1675A>G, p.Ile559Val (NM_001042497.2); c.1567A>G, p.Ile523Val (NM_005135.2); c.1720A>G, p.Ile574Val (NM_133647.2); short protein forms I515V, I559V, I523V, I565V, I574V.
Identifiers: ClinVar variation 4705548 (VCV004705548.1).
Genomic context (GRCh38, chr15:34,245,797, plus strand): 5'-GCCTCGGTGCACCTGTGAGGCTCTGAAGTCCAGCCCCACATGTTGAAAAGAAGGAGCCAA[T>C]AACAATCACCCATGGGGATGGCCAAGATAAGGTGCCTACCACCAAATTACCTTTCACAGC-3'
Protein context (NP_001352017.1, residues 564-584): LSWPSPWVIV[Ile574Val]GSFFSTCGAG

ClinVar aggregate classification (germline): Uncertain significance (1 of 4 stars; one submission).

gnomAD v4.1: 1 of 1,613,498 alleles (0.000062%); highest among the groups gnomAD compares: Admixed American, 0.0017%; no homozygotes.

Submission:

Labcorp Genetics (formerly Invitae), Labcorp
Classification: Uncertain significance. Last evaluated: 2025-10-08. Review status: criteria provided, single submitter. Criteria: Invitae Variant Classification Sherloc (09022015). Collection method: clinical testing. Allele origin: germline.
Comment: This sequence change replaces isoleucine, which is neutral and non-polar, with valine, which is neutral and non-polar, at codon 574 of the SLC12A6 protein (p.Ile574Val). This variant is present in population databases (no rsID available, gnomAD 0.003%). This variant has not been reported in the literature in individuals affected with SLC12A6-related conditions. Invitae Evidence Modeling of protein sequence and biophysical properties (such as structural, functional, and spatial information, amino acid conservation, physicochemical variation, residue mobility, and thermodynamic stability) indicates that this missense variant is not expected to disrupt SLC12A6 protein function with a negative predictive value of 80%. In summary, the available evidence is currently insufficient to determine the role of this variant in disease. Therefore, it has been classified as a Variant of Uncertain Significance.